The following is an entry in ClinVar:

ClinVar aggregate classification (germline): Uncertain significance. Review status: criteria provided, multiple submitters, no conflicts (2 of 4 stars). 13 submissions from 13 submitters: Uncertain significance (12). 1 of the submissions does not count toward it. Last evaluated 2025-10-21.

Conditions:
Familial prostate cancer. Also called: Hereditary Prostate Cancer. Identifiers: MedGen C2931456, MONDO:0700275, OMIM 176807.
CHEK2-related cancer predisposition (TPDS4). Also called: TUMOR PREDISPOSITION SYNDROME 4; CANCER PREDISPOSITION SYNDROME, CHEK2-RELATED; CHEK2-related cancer susceptibility. Identifiers: Orphanet 524, MedGen C5882668, MONDO:0700271, OMIM 609265.
Bone osteosarcoma. Also called: Osteosarcoma, somatic. Identifiers: Orphanet 668, MedGen C0585442, MONDO:0002629, OMIM 259500.
Hereditary cancer-predisposing syndrome. Also called: Neoplastic Syndromes, Hereditary; Tumor predisposition; Hereditary neoplastic syndrome; Hereditary Cancer Syndrome. Identifiers: Orphanet 140162, MedGen C0027672, MeSH D009386, MONDO:0015356.
Familial cancer of breast. Also called: hereditary breast carcinoma; BREAST CANCER, FAMILIAL; Hereditary breast cancer. Identifiers: Orphanet 227535, MedGen C0346153, MONDO:0016419, OMIM 114480. Disease mechanism: loss of function.

Allele frequency attached by ClinVar (database versions not stated): gnomAD exomes below 0.00001; gnomAD 0.00001; TOPMed 0.00002.
gnomAD v4.1: 2 of 1,559,112 alleles (0.00013%); highest among the groups gnomAD compares: African/African-American, 0.0027%; no homozygotes.

Submissions (13):

Labcorp Genetics (formerly Invitae), Labcorp
Classification: Uncertain significance for Familial cancer of breast. Last evaluated: 2025-10-21. Review status: criteria provided, single submitter. Criteria: Invitae Variant Classification Sherloc (09022015). Collection method: clinical testing. Allele origin: germline.
Comment: This sequence change replaces cysteine, which is neutral and slightly polar, with tyrosine, which is neutral and polar, at codon 284 of the CHEK2 protein (p.Cys284Tyr). This variant is not present in population databases (gnomAD no frequency). This missense change has been observed in individual(s) with breast cancer (PMID: 36315513). This missense change has been observed to co-occur in individuals with a different variant in CHEK2 that has been determined to be pathogenic (internal data), but the significance of this finding is unclear. ClinVar contains an entry for this variant (Variation ID: 229700). An algorithm developed to predict the effect of missense changes on protein structure and function (PolyPhen-2) suggests that this variant is likely to be disruptive. Experimental studies have shown that this missense change affects CHEK2 function (PMID: 37449874). In summary, the available evidence is currently insufficient to determine the role of this variant in disease. Therefore, it has been classified as a Variant of Uncertain Significance.

GeneDx
Classification: Uncertain significance. Last evaluated: 2025-07-28. Review status: criteria provided, single submitter. Criteria: GeneDx Variant Classification Process June 2021. Collection method: clinical testing. Allele origin: germline.
Comment: Not observed at significant frequency in large population cohorts (gnomAD); In silico analysis supports that this missense variant has a deleterious effect on protein structure/function; Identified in an individual with breast cancer (PMID: 33471991); This variant is associated with the following publications: (PMID: 22419737, 19782031, 37449874, 33606978, 33471991, 36315513)

KCCC/NGS Laboratory, Kuwait Cancer Control Center
Classification: Uncertain significance for CHEK2-related cancer predisposition. Last evaluated: 2025-07-07. Review status: criteria provided, single submitter. Criteria: ACMG Guidelines, 2015. Collection method: clinical testing. Allele origin: germline. Inheritance: Autosomal dominant inheritance. Affected: yes. Observed: 1 homozygote.
Comment: This sequence change replaces cysteine, which is neutral and slightly polar, with tyrosine, which is neutral and polar, at codon 284 of the CHEK2 protein (p.Cys284Tyr). This amino acid position is highly conserved. This variant is not present in population databases (gnomAD no frequency). This missense change has been observed in individual(s) with breast cancer (PMID: 36315513).ClinVar contains an entry for this variant (Variation ID: 229700). In addition, the in silico prediction for this alteration is inconclusive. In summary, the available evidence is currently insufficient to determine the role of this variant in disease. Therefore, it has been classified as a Variant of Uncertain Significance.

Dasa
Classification: Uncertain significance. Last evaluated: 2025-05-17. Review status: criteria provided, single submitter. Criteria: DASA Assertion Criteria. Collection method: clinical testing. Allele origin: germline.
Comment: NM_007194.4(CHEK2):c.851G>A (p.Cys284Tyr) is a missense variant that results in the substitution of cysteine with tyrosine. Functional evidence supports an impact on the gene or gene product (PMID: 33471991; PMID: 33606978). Also, this variant is rare in population databases. The currently available literature and clinical evidence are not sufficient to establish a definitive association between this variant and the reported condition. Therefore, this variant is classified as a variant of uncertain significance.

Ambry Genetics
Classification: Uncertain significance for Hereditary cancer-predisposing syndrome. Last evaluated: 2025-05-07. Review status: criteria provided, single submitter. Criteria: Ambry Variant Classification Scheme 2023. Collection method: clinical testing. Allele origin: germline.
Comment: The p.C284Y variant (also known as c.851G>A), located in coding exon 7 of the CHEK2 gene, results from a G to A substitution at nucleotide position 851. The cysteine at codon 284 is replaced by tyrosine, an amino acid with highly dissimilar properties. This alteration has been reported in at least once in a cohort that included 37 individuals diagnosed with breast cancer and 51 family members (McDonald JT. PLoS One. 2022 Oct;17(10):e0273835). One study has reported that this alteration resulted in increased resistance to doxorubicin and impaired phosphorylation of CHK2 in a CRISPR-based gene-editing screen performed in a human breast cell line (Cuella-Martin R. Cell. 2021 Feb;184(4):1081-1097.e19). This variant was reported as functionally impaired in a study assessing CHEK2-complementation through quantification of KAP1 phosphorylation and CHK2 autophosphorylation in human RPE1-CHEK2-knockout cells (Stolarova L et al. Clin Cancer Res, 2023 Aug;29:3037-3050). This amino acid position is highly conserved in available vertebrate species. In addition, the in silico prediction for this alteration is inconclusive. Based on the available evidence, the clinical significance of this variant remains unclear.

Center for Genomic Medicine, Rigshospitalet, Copenhagen University Hospital
Classification: Uncertain significance. Last evaluated: 2025-03-04. Review status: criteria provided, single submitter. Criteria: ACMG Guidelines, 2015. Collection method: clinical testing. Allele origin: germline.

Fulgent Genetics
Classification: Uncertain significance for Familial prostate cancer; Bone osteosarcoma; CHEK2-related cancer predisposition. Last evaluated: 2024-04-26. Review status: criteria provided, single submitter. Criteria: ACMG Guidelines, 2015. Collection method: clinical testing. Allele origin: germline.

Baylor Genetics
Classification: Uncertain significance for Familial cancer of breast. Last evaluated: 2023-11-23. Review status: criteria provided, single submitter. Criteria: ACMG Guidelines, 2015. Collection method: clinical testing. Allele origin: unknown.

Myriad Genetics, Inc.
Classification: Uncertain significance for Familial cancer of breast. Last evaluated: 2023-03-08. Review status: criteria provided, single submitter. Criteria: Myriad Autosomal Dominant, Autosomal Recessive and X-Linked Classification Criteria (2023). Collection method: clinical testing. Allele origin: unknown.
Comment: This variant is classified as a variant of uncertain significance as there is insufficient evidence to determine its impact on protein function and/or cancer risk.

Sema4
Classification: Uncertain significance for Hereditary cancer-predisposing syndrome. Last evaluated: 2021-10-20. Review status: criteria provided, single submitter. Criteria: Sema4 Curation Guidelines. Collection method: curation. Allele origin: germline.
Comment: The CHEK2 c.851G>A (p.C284Y) variant has been reported in heterozygosity in at least one individual with breast cancer and was absent from controls in a case-control study with 60,466 cases and 53,461 controls (PMID: 33471991). It was not observed in the large and broad cohorts of the Genome Aggregation Database. The variant has been reported in ClinVar (Variation ID 229700). Functional studies have not been performed, and in silico predictions of the variant's effect on protein function are inconclusive. The evidence is insufficient to meet ACMG/AMP criteria for classifying the variant as benign or pathogenic. Thus, the clinical significance of this variant is currently uncertain.

Color Diagnostics, LLC DBA Color Health
Classification: Uncertain significance for Hereditary cancer-predisposing syndrome. Last evaluated: 2021-07-27. Review status: criteria provided, single submitter. Criteria: ACMG Guidelines, 2015. Collection method: clinical testing. Allele origin: germline.
Comment: This missense variant replaces cysteine with tyrosine at codon 284 of the CHEK2 protein. Computational prediction suggests that this variant may not impact protein structure and function (internally defined REVEL score threshold <= 0.5, PMID: 27666373). To our knowledge, functional studies have not been reported for this variant. This variant has not been reported in individuals affected with hereditary cancer in the literature. This variant has not been identified in the general population by the Genome Aggregation Database (gnomAD). The available evidence is insufficient to determine the role of this variant in disease conclusively. Therefore, this variant is classified as a Variant of Uncertain Significance.

Mendelics
Classification: Uncertain significance for Familial cancer of breast. Last evaluated: 2018-07-02. Review status: criteria provided, single submitter. Criteria: Mendelics Assertion Criteria 2017. Collection method: clinical testing. Allele origin: unknown.

Counsyl
Classification: Uncertain significance for Familial cancer of breast. Last evaluated: 2016-12-27. Review status: no assertion criteria provided. Collection method: clinical testing. Allele origin: unknown. Not counted in ClinVar's aggregate classification.

Literature cited by the submitters: PubMed 36315513 (cited by Labcorp Genetics (formerly Invitae), Labcorp and Ambry Genetics); PubMed 37449874 (cited by 3 submitters); PubMed 33471991 (cited by 3 submitters); PubMed 33606978 (cited by Dasa and Ambry Genetics).

NM_007194.4(CHEK2):c.851G>A (p.Cys284Tyr)

Gene: CHEK2 (checkpoint kinase 2; minus strand). Cytogenetic location: 22q12.1.
Variant type: single nucleotide variant.
Coding change: c.851G>A on transcript NM_007194.4 (MANE Select); coding-DNA position 851, G replaced by A.
Protein change: p.Cys284Tyr; replaces cysteine 284 with tyrosine.
Molecular consequence: missense variant.
Genome position (GRCh38, 1-based): chr22:28,703,562, C>T on the plus strand (G>A on the coding strand, the complement: CHEK2 is on the minus strand). VCF-style: chr22-28703562-C-T. GRCh37 (hg19) VCF-style: chr22-29099550-C-T.
Other names: c.980G>A, p.Cys327Tyr (NM_001005735.3); c.188G>A, p.Cys63Tyr (NM_001257387.3); c.650G>A, p.Cys217Tyr (NM_001349956.3); c.851G>A, p.Cys284Tyr (NM_145862.3); short protein forms C284Y, C217Y, C63Y, C327Y.
Identifiers: ClinVar variation 229700 (VCV000229700.34), dbSNP rs876658150, ClinGen allele CA10581072.